The following is an entry in ClinVar:

ClinVar aggregate classification (germline): Likely pathogenic (1 of 4 stars; one submission).

Submission:

Labcorp Genetics (formerly Invitae), Labcorp
Classification: Likely pathogenic. Last evaluated: 2023-01-19. Review status: criteria provided, single submitter. Criteria: Invitae Variant Classification Sherloc (09022015). Collection method: clinical testing. Allele origin: germline.
Comment: In summary, the currently available evidence indicates that the variant is pathogenic, but additional data are needed to prove that conclusively. Therefore, this variant has been classified as Likely Pathogenic. Algorithms developed to predict the effect of sequence changes on RNA splicing suggest that this variant may disrupt the consensus splice site. This variant has not been reported in the literature in individuals affected with PLOD3-related conditions. This variant is not present in population databases (gnomAD no frequency). This sequence change affects an acceptor splice site in intron 4 of the PLOD3 gene. It is expected to disrupt RNA splicing. Variants that disrupt the donor or acceptor splice site typically lead to a loss of protein function (PMID: 16199547), and loss-of-function variants in PLOD3 are known to be pathogenic (PMID: 30237576).

Literature cited by the submitters: PubMed 16199547; PubMed 30237576.

NM_001084.5(PLOD3):c.503-2A>G

Gene: PLOD3 (procollagen-lysine,2-oxoglutarate 5-dioxygenase 3; minus strand). Cytogenetic location: 7q22.1.
Variant type: single nucleotide variant.
Coding change: c.503-2A>G on transcript NM_001084.5 (MANE Select); the canonical splice acceptor site of the intron before coding-DNA position 503, A replaced by G.
Molecular consequence: splice acceptor variant.
Genome position (GRCh38, 1-based): chr7:101,216,022, T>C on the plus strand (A>G on the coding strand, the complement: PLOD3 is on the minus strand). VCF-style: chr7-101216022-T-C. GRCh37 (hg19) VCF-style: chr7-100859303-T-C.
Identifiers: ClinVar variation 2806148 (VCV002806148.3), dbSNP rs112740455, ClinGen allele CA368624936.